The following is an entry in ClinVar:

ClinVar aggregate classification (germline): Uncertain significance (1 of 4 stars; one submission).

Conditions:
Hereditary cancer-predisposing syndrome. Also called: Hereditary Cancer Syndrome; Hereditary neoplastic syndrome; Neoplastic Syndromes, Hereditary; Tumor predisposition. Identifiers: Orphanet 140162, MedGen C0027672, MeSH D009386, MONDO:0015356.

Submission:

Ambry Genetics
Classification: Uncertain significance for Hereditary cancer-predisposing syndrome. Last evaluated: 2023-09-12. Review status: criteria provided, single submitter. Criteria: Ambry Variant Classification Scheme 2023. Collection method: clinical testing. Allele origin: germline.
Comment: The p.P2964T variant (also known as c.8890C>A), located in coding exon 61 of the ATM gene, results from a C to A substitution at nucleotide position 8890. The proline at codon 2964 is replaced by threonine, an amino acid with highly similar properties. This amino acid position is conserved. In addition, this alteration is predicted to be deleterious by in silico analysis. Since supporting evidence is limited at this time, the clinical significance of this alteration remains unclear.

NM_000051.4(ATM):c.8890C>A (p.Pro2964Thr)

Genes: ATM (ATM serine/threonine kinase; plus strand), C11orf65 (chromosome 11 open reading frame 65; minus strand). Cytogenetic location: 11q22.3.
Variant type: single nucleotide variant.
Coding change: c.8890C>A on transcript NM_000051.4 (MANE Select); coding-DNA position 8890, C replaced by A.
Protein change: p.Pro2964Thr; replaces proline 2964 with threonine.
Molecular consequence: missense variant. On other transcripts: intron variant (2).
Genome position (GRCh38, 1-based): chr11:108,365,121, C>A. VCF-style: chr11-108365121-C-A. GRCh37 (hg19) VCF-style: chr11-108235848-C-A.
Other names: c.8890C>A, p.Pro2964Thr (NM_001351834.2); c.640+20799G>T (NM_001330368.2); c.694+20799G>T (NM_001351110.2); short protein forms P2964T.
Identifiers: ClinVar variation 2587819 (VCV002587819.2), dbSNP rs2547675161, ClinGen allele CA382529738.